The following is an entry in ClinVar:

NM_020937.4(FANCM):c.281A>G (p.Tyr94Cys)

Gene: FANCM (FA complementation group M; plus strand). Cytogenetic location: 14q21.2.
Variant type: single nucleotide variant.
Coding change: c.281A>G on transcript NM_020937.4 (MANE Select); coding-DNA position 281, A replaced by G.
Protein change: p.Tyr94Cys; replaces tyrosine 94 with cysteine.
Molecular consequence: missense variant.
Genome position (GRCh38, 1-based): chr14:45,136,312, A>G. VCF-style: chr14-45136312-A-G. GRCh37 (hg19) VCF-style: chr14-45605515-A-G.
Other names: c.281A>G, p.Tyr94Cys (NM_001308133.2, NM_001308134.2); short protein forms Y94C.
Identifiers: ClinVar variation 942656 (VCV000942656.12), dbSNP rs1352722928, ClinGen allele CA389587713.

ClinVar aggregate classification (germline): Uncertain significance. Review status: criteria provided, multiple submitters, no conflicts (2 of 4 stars). 2 submissions from 2 submitters: Uncertain significance (2). Last evaluated 2024-10-29.

Conditions:
Fanconi anemia (FA). Also called: Fanconi's anemia. Identifiers: Orphanet 84, MedGen C0015625, MeSH D005199, MONDO:0019391.

Allele frequency attached by ClinVar (database versions not stated): gnomAD 0.00001; gnomAD exomes 0.00003 and below 0.00001.

Submissions (2):

Labcorp Genetics (formerly Invitae), Labcorp
Classification: Uncertain significance for Fanconi anemia. Last evaluated: 2024-10-29. Review status: criteria provided, single submitter. Criteria: Invitae Variant Classification Sherloc (09022015). Collection method: clinical testing. Allele origin: germline.
Comment: This sequence change replaces tyrosine, which is neutral and polar, with cysteine, which is neutral and slightly polar, at codon 94 of the FANCM protein (p.Tyr94Cys). This variant is present in population databases (no rsID available, gnomAD 0.0009%). This variant has not been reported in the literature in individuals affected with FANCM-related conditions. ClinVar contains an entry for this variant (Variation ID: 942656). An algorithm developed to predict the effect of missense changes on protein structure and function (PolyPhen-2) suggests that this variant is likely to be disruptive. In summary, the available evidence is currently insufficient to determine the role of this variant in disease. Therefore, it has been classified as a Variant of Uncertain Significance.

GeneDx
Classification: Uncertain significance. Last evaluated: 2023-02-01. Review status: criteria provided, single submitter. Criteria: GeneDx Variant Classification Process June 2021. Collection method: clinical testing. Allele origin: germline.
Comment: Not observed at significant frequency in large population cohorts (gnomAD); In silico analysis supports that this missense variant has a deleterious effect on protein structure/function; Has not been previously published as pathogenic or benign to our knowledge